The following is an entry in ClinVar:

NM_022455.5(NSD1):c.8071G>A (p.Ala2691Thr)

Gene: NSD1 (nuclear receptor binding SET domain protein 1; plus strand). Cytogenetic location: 5q35.3.
Variant type: single nucleotide variant.
Coding change: c.8071G>A on transcript NM_022455.5 (MANE Select); coding-DNA position 8071, G replaced by A.
Protein change: p.Ala2691Thr; replaces alanine 2691 with threonine.
Molecular consequence: missense variant.
Genome position (GRCh38, 1-based): chr5:177,295,439, G>A. VCF-style: chr5-177295439-G-A. GRCh37 (hg19) VCF-style: chr5-176722440-G-A.
Other names: c.7198G>A, p.Ala2400Thr (NM_001365684.2, NM_001409308.1, NM_172349.5); c.8071G>A, p.Ala2691Thr (NM_001409301.1, NM_001409302.1, NM_001409303.1); c.7651G>A, p.Ala2551Thr (NM_001409304.1); c.7318G>A, p.Ala2440Thr (NM_001409305.1); c.7309G>A, p.Ala2437Thr (NM_001409306.1, NM_001409307.1); c.6949G>A, p.Ala2317Thr (NM_001409309.1); short protein forms A2422T, A2317T, A2400T, A2437T, A2440T, A2551T.
Identifiers: ClinVar variation 167395 (VCV000167395.36), dbSNP rs201823140, ClinGen allele CA234444.

ClinVar aggregate classification (germline): Conflicting classifications of pathogenicity. Review status: criteria provided, conflicting classifications (1 of 4 stars). 6 submissions from 6 submitters: Uncertain significance (3); Likely benign (3). Last evaluated 2024-11-13.

Conditions:
Sotos syndrome (SOTOS). Also called: SOTOS SYNDROME 1; CHROMOSOME 5q35 DELETION SYNDROME; CEREBRAL GIGANTISM; Sotos' syndrome; Distinctive facial appearance, overgrowth in childhood, and learning disabilities or delayed development. Identifiers: Orphanet 821, MedGen C0175695, MONDO:0019349, OMIM 117550.

Allele frequency attached by ClinVar (database versions not stated): ExAC 0.00007; ESP Exome Variant Server 0.00023; 1000 Genomes Project 30x 0.00016; gnomAD 0.00019 and 0.00018; gnomAD exomes 0.00007; TOPMed 0.00012; 1000 Genomes Project 0.00020.
gnomAD v4.1: 568 of 1,614,048 alleles (0.035%); highest among the groups gnomAD compares: Non-Finnish European, 0.047%; no homozygotes.

Submissions (6):

Labcorp Genetics (formerly Invitae), Labcorp
Classification: Likely benign. Last evaluated: 2024-11-13. Review status: criteria provided, single submitter. Criteria: Invitae Variant Classification Sherloc (09022015). Collection method: clinical testing. Allele origin: germline.

CeGaT Center for Human Genetics Tuebingen
Classification: Likely benign. Last evaluated: 2024-02-01. Review status: criteria provided, single submitter. Criteria: CeGaT Center For Human Genetics Tuebingen Variant Classification Criteria Version 2. Collection method: clinical testing. Allele origin: germline. Affected: yes. Observed: 1 variant allele.
Comment: NSD1: BS2

Fulgent Genetics
Classification: Uncertain significance for Sotos syndrome. Last evaluated: 2022-02-03. Review status: criteria provided, single submitter. Criteria: ACMG Guidelines, 2015. Collection method: clinical testing. Allele origin: unknown.

Blueprint Genetics
Classification: Likely benign. Last evaluated: 2021-12-31. Review status: criteria provided, single submitter. Criteria: ACMG Guidelines, 2015. Collection method: clinical testing. Allele origin: germline.

Genome-Nilou Lab
Classification: Uncertain significance for Sotos syndrome. Last evaluated: 2021-07-15. Review status: criteria provided, single submitter. Criteria: ACMG Guidelines, 2015. Collection method: clinical testing. Allele origin: germline. Affected: no.

Eurofins Ntd Llc (ga)
Classification: Uncertain significance. Last evaluated: 2014-04-11. Review status: criteria provided, single submitter. Criteria: EGL Classification Definitions 2015. Collection method: clinical testing. Allele origin: germline. Observed: 1 variant allele, 1 heterozygote.